The following is an entry in ClinVar:

ClinVar aggregate classification (germline): Uncertain significance. Review status: criteria provided, multiple submitters, no conflicts (2 of 4 stars). 5 submissions from 5 submitters: Uncertain significance (5). Last evaluated 2026-07-28.

Conditions:
MYH3-related disorder. Also called: MYH3-Related Disorders; MYH3-related condition. Identifiers: MedGen CN239329.
Inborn genetic diseases. Identifiers: MedGen C0950123, MeSH D030342.
Freeman-Sheldon syndrome (DA2A). Also called: Arthrogryposis, distal, type 2A (Freeman-Sheldon); WHISTLING FACE-WINDMILL VANE HAND SYNDROME; CRANIOCARPOTARSAL DYSPLASIA; CRANIOCARPOTARSAL DYSTROPHY. Identifiers: Orphanet 2053, MedGen C0265224, MONDO:0008675, OMIM 193700.

Allele frequency attached by ClinVar (database versions not stated): ExAC 0.00003; gnomAD exomes 0.00003; ESP Exome Variant Server 0.00008; gnomAD 0.00011 and 0.00013; 1000 Genomes Project 30x 0.00016; 1000 Genomes Project 0.00020; TOPMed 0.00021.
gnomAD v4.1: 63 of 1,614,196 alleles (0.0039%); highest among the groups gnomAD compares: Admixed American, 0.028%; no homozygotes.

Submissions (5):

PreventionGenetics, part of Exact Sciences
Classification: Uncertain significance for MYH3-related condition. Last evaluated: 2026-07-28. Review status: criteria provided, single submitter. Criteria: ACMG Guidelines, 2015. Collection method: clinical testing. Allele origin: germline.
Comment: The MYH3 c.2341C>T variant is predicted to result in the amino acid substitution p.Arg781Cys. To our knowledge, this variant has not been reported in the literature. This variant is reported in 0.020% of alleles in individuals of African descent in gnomAD. At this time, the clinical significance of this variant is uncertain due to the absence of conclusive functional and genetic evidence.

Labcorp Genetics (formerly Invitae), Labcorp
Classification: Uncertain significance. Last evaluated: 2025-11-23. Review status: criteria provided, single submitter. Criteria: Invitae Variant Classification Sherloc (09022015). Collection method: clinical testing. Allele origin: germline.
Comment: This sequence change replaces arginine, which is basic and polar, with cysteine, which is neutral and slightly polar, at codon 781 of the MYH3 protein (p.Arg781Cys). This variant is present in population databases (rs372983228, gnomAD 0.02%). This variant has not been reported in the literature in individuals affected with MYH3-related conditions. ClinVar contains an entry for this variant (Variation ID: 977411). Invitae Evidence Modeling of protein sequence and biophysical properties (such as structural, functional, and spatial information, amino acid conservation, physicochemical variation, residue mobility, and thermodynamic stability) indicates that this missense variant is not expected to disrupt MYH3 protein function with a negative predictive value of 95%. In summary, the available evidence is currently insufficient to determine the role of this variant in disease. Therefore, it has been classified as a Variant of Uncertain Significance.

Ambry Genetics
Classification: Uncertain significance for Inborn genetic diseases. Last evaluated: 2023-11-18. Review status: criteria provided, single submitter. Criteria: Ambry Variant Classification Scheme 2023. Collection method: clinical testing. Allele origin: germline.

Blueprint Genetics
Classification: Uncertain significance. Last evaluated: 2022-06-21. Review status: criteria provided, single submitter. Criteria: ACMG Guidelines, 2015. Collection method: clinical testing. Allele origin: germline.

New York Genome Center
Classification: Uncertain significance for Freeman-Sheldon syndrome. Last evaluated: 2021-12-20. Review status: criteria provided, single submitter. Criteria: NYGC Assertion Criteria 2020. Collection method: clinical testing. Allele origin: germline. Observed: 1 heterozygote. Study: CSER-NYCKidSeq.

NM_002470.4(MYH3):c.2341C>T (p.Arg781Cys)

Gene: MYH3 (myosin heavy chain 3; minus strand). Cytogenetic location: 17p13.1.
Variant type: single nucleotide variant.
Coding change: c.2341C>T on transcript NM_002470.4 (MANE Select); coding-DNA position 2341, C replaced by T.
Protein change: p.Arg781Cys; replaces arginine 781 with cysteine.
Molecular consequence: missense variant.
Genome position (GRCh38, 1-based): chr17:10,640,418, G>A on the plus strand (C>T on the coding strand, the complement: MYH3 is on the minus strand). VCF-style: chr17-10640418-G-A. GRCh37 (hg19) VCF-style: chr17-10543735-G-A.
Other names: short protein forms R781C.
Identifiers: ClinVar variation 977411 (VCV000977411.12), dbSNP rs372983228, ClinGen allele CA8392782.